The following is an entry in ClinVar:

NM_152703.5(SAMD9L):c.2052A>C (p.Glu684Asp)

Gene: SAMD9L (sterile alpha motif domain containing 9 like; minus strand). Cytogenetic location: 7q21.2.
Variant type: single nucleotide variant.
Coding change: c.2052A>C on transcript NM_152703.5 (MANE Select); coding-DNA position 2052, A replaced by C.
Protein change: p.Glu684Asp; replaces glutamic acid 684 with aspartic acid.
Molecular consequence: missense variant.
Genome position (GRCh38, 1-based): chr7:93,133,920, T>G on the plus strand (A>C on the coding strand, the complement: SAMD9L is on the minus strand). VCF-style: chr7-93133920-T-G. GRCh37 (hg19) VCF-style: chr7-92763233-T-G.
Other names: c.2052A>C, p.Glu684Asp (NM_001303496.3, NM_001303497.3, NM_001303498.3 and 5 more transcripts); short protein forms E684D.
Identifiers: ClinVar variation 1679738 (VCV001679738.2), dbSNP rs1792278396, ClinGen allele CA368193367.

ClinVar aggregate classification (germline): Uncertain significance (1 of 4 stars; one submission).

Conditions:
Ataxia-pancytopenia syndrome (ATXPC). Also called: SAMD9L-Related Syndrome; SAMD9L Ataxia-Pancytopenia Syndrome. Identifiers: Orphanet 2585, MedGen C1327919, MONDO:0008038, OMIM 159550.
Monosomy 7 myelodysplasia and leukemia syndrome 1. Also called: Familial Mosaic Monosomy 7 Syndrome; Monosomy 7 of bone marrow; CHROMOSOME 7q DELETION. Identifiers: MedGen C1854978, MONDO:0009646, OMIM 252270.

Allele frequency attached by ClinVar (database versions not stated): gnomAD exomes below 0.00001; TOPMed below 0.00001.
gnomAD v4.1: 2 of 1,613,916 alleles (0.00012%); highest among the groups gnomAD compares: African/African-American, 0.0027%; no homozygotes.

Submission:

New York Genome Center
Classification: Uncertain significance for Monosomy 7 myelodysplasia and leukemia syndrome 1; Ataxia-pancytopenia syndrome. Last evaluated: 2021-07-02. Review status: criteria provided, single submitter. Criteria: NYGC Assertion Criteria 2020. Collection method: clinical testing. Allele origin: germline. Observed: 1 heterozygote. Study: CSER-NYCKidSeq.
Comment: The heterozygous c.2052A>C (p.Glu684Asp) missense variant identified in the SAMD9L gene has not been reported in affected individuals in the literature. The variant is absent from gnomAD(v3) database suggesting it is not a common benign variant in the populations represented in that database. The variant affects a conserved residue and is predicted deleterious by multiple in silico prediction tools. Based on the available evidence, the heterozygous c.2052A>C(p.Glu684Asp) missense variant identified in the SAMD9L gene is reported as a variant of uncertain significance.